The following is an entry in ClinVar:

ClinVar aggregate classification (germline): Uncertain significance (1 of 4 stars; one submission).

Conditions:
Catecholaminergic polymorphic ventricular tachycardia (CVPT). Also called: Catecholamine-induced polymorphic ventricular tachycardia. Identifiers: Orphanet 3286, MedGen C5574922, MONDO:0017990.

Allele frequency attached by ClinVar (database versions not stated): gnomAD exomes below 0.00001; TOPMed below 0.00001.
gnomAD v4.1: 7 of 1,608,794 alleles (0.00044%); highest among the groups gnomAD compares: African/African-American, 0.0013%; no homozygotes.

Submission:

All of Us Research Program, National Institutes of Health
Classification: Uncertain significance for Catecholaminergic polymorphic ventricular tachycardia. Last evaluated: 2023-10-23. Review status: criteria provided, single submitter. Criteria: ACMG Guidelines, 2015. Collection method: clinical testing. Allele origin: germline. Inheritance: Autosomal dominant inheritance. Observed: 1 variant allele, 1 heterozygote.
Comment: This missense variant replaces serine with glycine at codon 3136 of the RYR2 protein. Computational prediction suggests that this variant may not impact protein structure and function (internally defined REVEL score threshold <= 0.5, PMID: 27666373). To our knowledge, functional studies have not been reported for this variant. This variant has not been reported in individuals affected with RYR2-related disorders in the literature. This variant has not been identified in the general population by the Genome Aggregation Database (gnomAD). The available evidence is insufficient to determine the role of this variant in disease conclusively. Therefore, this variant is classified as a Variant of Uncertain Significance.

This study involves interpretation of variants in research participants for the purpose of population health screening. Participant phenotype was not available at the time of variant classification. Additional details can be found in publication PMID: 35346344, PMCID: PMC8962531

NM_001035.3(RYR2):c.9406A>G (p.Ser3136Gly)

Gene: RYR2 (ryanodine receptor 2; plus strand). Cytogenetic location: 1q43.
Variant type: single nucleotide variant.
Coding change: c.9406A>G on transcript NM_001035.3 (MANE Select); coding-DNA position 9406, A replaced by G.
Protein change: p.Ser3136Gly; replaces serine 3136 with glycine.
Molecular consequence: missense variant.
Genome position (GRCh38, 1-based): chr1:237,702,016, A>G. VCF-style: chr1-237702016-A-G. GRCh37 (hg19) VCF-style: chr1-237865316-A-G.
Other names: short protein forms S3136G.
Identifiers: ClinVar variation 3074119 (VCV003074119.1), dbSNP rs1262089571, ClinGen allele CA345406365.